The following is an entry in ClinVar:

NM_032119.4(ADGRV1):c.14898C>T (p.Ser4966=)

Gene: ADGRV1 (adhesion G protein-coupled receptor V1; plus strand). Cytogenetic location: 5q14.3.
Variant type: single nucleotide variant.
Coding change: c.14898C>T on transcript NM_032119.4 (MANE Select); coding-DNA position 14898, C replaced by T.
Protein change: p.Ser4966=; no amino-acid change (serine 4966 retained).
Molecular consequence: synonymous variant. On other transcripts: non-coding transcript variant (1).
Genome position (GRCh38, 1-based): chr5:90,807,663, C>T. VCF-style: chr5-90807663-C-T. GRCh37 (hg19) VCF-style: chr5-90103480-C-T.
Identifiers: ClinVar variation 737102 (VCV000737102.12), dbSNP rs1200435247, ClinGen allele CA445416781.
Genomic context (GRCh38, chr5:90,807,663, plus strand): 5'-GAGCCTTTCATTTTCCCACGGTGAACAAAGGAAAGGAGTTTTCCTGTGGACGTTTCCTAG[C>T]CCTGGTTGGCCAGAGGCCTTTGTTCTTCACCTATCAGGAGTGCAGAGCAGTGCTCCTGGC-3'
Protein context (NP_115495.3, residues 4956-4976): RKGVFLWTFP[Ser4966=]PGWPEAFVLH

ClinVar aggregate classification (germline): Likely benign. Review status: criteria provided, multiple submitters, no conflicts (2 of 4 stars). 3 submissions from 3 submitters: Likely benign (3). Last evaluated 2026-01-15.

Conditions:
ADGRV1-related disorder. Also called: ADGRV1-related condition; ADGRV1-related disorders.

Allele frequency attached by ClinVar (database versions not stated): gnomAD exomes 0.00001 and 0.00002; gnomAD 0.00003; TOPMed 0.00004.
gnomAD v4.1: 18 of 1,612,586 alleles (0.0011%); highest among the groups gnomAD compares: Admixed American, 0.03%; no homozygotes.

Submissions (3):

Labcorp Genetics (formerly Invitae), Labcorp
Classification: Likely benign. Last evaluated: 2026-01-15. Review status: criteria provided, single submitter. Criteria: Invitae Variant Classification Sherloc (09022015). Collection method: clinical testing. Allele origin: germline.

PreventionGenetics, part of Exact Sciences
Classification: Likely benign for ADGRV1-related condition. Last evaluated: 2025-12-31. Review status: criteria provided, single submitter. Criteria: ACMG Guidelines, 2015. Collection method: clinical testing. Allele origin: germline.
Comment: This variant is classified as likely benign based on ACMG/AMP sequence variant interpretation guidelines (Richards et al. 2015 PMID: 25741868, with internal and published modifications).

Blueprint Genetics
Classification: Likely benign. Last evaluated: 2022-08-22. Review status: criteria provided, single submitter. Criteria: ACMG Guidelines, 2015. Collection method: clinical testing. Allele origin: germline.